The following is an entry in ClinVar:

ClinVar aggregate classification (germline): Pathogenic/Likely pathogenic. Review status: criteria provided, multiple submitters, no conflicts (2 of 4 stars). 2 submissions from 2 submitters: Pathogenic (1); Likely pathogenic (1). Last evaluated 2025-12-15.

Conditions:
Chédiak-Higashi syndrome (CHS). Also called: Chediak-Higashi Syndrome. Identifiers: Orphanet 167, MedGen C0007965, MONDO:0008963, OMIM 214500.

Allele frequency attached by ClinVar (database versions not stated): gnomAD exomes below 0.00001.
gnomAD v4.1: 1 of 1,614,096 alleles (0.000062%); highest among the groups gnomAD compares: Admixed American, 0.0017%; no homozygotes.

Submissions (2):

Labcorp Genetics (formerly Invitae), Labcorp
Classification: Pathogenic for Chédiak-Higashi syndrome. Last evaluated: 2025-12-15. Review status: criteria provided, single submitter. Criteria: Invitae Variant Classification Sherloc (09022015). Collection method: clinical testing. Allele origin: germline.
Comment: This sequence change creates a premature translational stop signal (p.Gln162*) in the LYST gene. It is expected to result in an absent or disrupted protein product. Loss-of-function variants in LYST are known to be pathogenic (PMID: 9215679, 11857544). This variant is present in population databases (no rsID available, gnomAD 0.003%). This variant has not been reported in the literature in individuals affected with LYST-related conditions. ClinVar contains an entry for this variant (Variation ID: 3241839). For these reasons, this variant has been classified as Pathogenic.

Baylor Genetics
Classification: Likely pathogenic for Chédiak-Higashi syndrome. Last evaluated: 2024-03-25. Review status: criteria provided, single submitter. Criteria: ACMG Guidelines, 2015. Collection method: clinical testing. Allele origin: unknown.

Literature cited by the submitters: PubMed 9215679 (cited by Labcorp Genetics (formerly Invitae), Labcorp); PubMed 11857544 (cited by Labcorp Genetics (formerly Invitae), Labcorp).

NM_000081.4(LYST):c.484C>T (p.Gln162Ter)

Gene: LYST (lysosomal trafficking regulator; minus strand). Cytogenetic location: 1q42.3.
Variant type: single nucleotide variant.
Coding change: c.484C>T on transcript NM_000081.4 (MANE Select); coding-DNA position 484, C replaced by T.
Protein change: p.Gln162Ter; replaces glutamine 162 with a stop codon.
Molecular consequence: nonsense.
Genome position (GRCh38, 1-based): chr1:235,810,334, G>A on the plus strand (C>T on the coding strand, the complement: LYST is on the minus strand). VCF-style: chr1-235810334-G-A. GRCh37 (hg19) VCF-style: chr1-235973634-G-A.
Other names: c.484C>T, p.Gln162Ter (NM_001301365.1); short protein forms Q162*.
Identifiers: ClinVar variation 3241839 (VCV003241839.2), dbSNP rs1346059141.
Genomic context (GRCh38, chr1:235,810,334, plus strand): 5'-GCTTATTCATTGCTATGCCTTTTTCATCTGAATTGGCTTCTGAATCTGAGGTGGAGAGCT[G>A]TGTCTTTCTTGCATCTCTTACAGAATAGCGATGGGTAATTTTACGCTGTCGTCTGCTTTT-3'